The following is an entry in ClinVar:

ClinVar aggregate classification (germline): Benign. Review status: criteria provided, multiple submitters, no conflicts (2 of 4 stars). 4 submissions from 4 submitters: Benign (4). Last evaluated 2024-01-24.

Allele frequency attached by ClinVar (database versions not stated): ESP Exome Variant Server 0.22623; gnomAD 0.28022 and 0.28435; gnomAD exomes 0.26604; 1000 Genomes Project 30x 0.25937; ExAC 0.26610; 1000 Genomes Project 0.25958; TOPMed 0.28279.
gnomAD v4.1: 381,025 of 1,413,438 alleles (27%); highest among the groups gnomAD compares: African/African-American, 28%; 53,500 homozygotes.

Submissions (5):

Unidad de Genómica Garrahan, Hospital de Pediatría Garrahan
Classification: Benign. Last evaluated: 2024-01-24. Review status: criteria provided, single submitter. Criteria: ACMG Guidelines, 2015. Collection method: clinical testing. Allele origin: germline. Affected: no. Observed: 48 variant alleles.
Comment: This variant is classified as Benign based on local population frequency. This variant was detected in 51% of patients studied by a panel of primary immunodeficiencies. Number of patients: 48. Only high quality variants are reported.

GeneDx
Classification: Benign. Last evaluated: 2018-11-10. Review status: criteria provided, single submitter. Criteria: GeneDx Variant Classification Process June 2021. Collection method: clinical testing. Allele origin: germline. Affected: yes.

Breakthrough Genomics
Classification: Benign. Review status: criteria provided, single submitter. Criteria: ACMG Guidelines, 2015. Collection method: not provided. Allele origin: germline. Inheritance: Autosomal recessive inheritance. Affected: yes.

PreventionGenetics, part of Exact Sciences
Classification: Benign. Review status: criteria provided, single submitter. Criteria: ACMG Guidelines, 2015. Collection method: clinical testing. Allele origin: germline.

Dr. Peter K. Rogan Lab, Western University
No classification provided (evidence only). Condition: Familial cancer of breast. Review status: no classification provided. Collection method: in vitro. Allele origin: not applicable. Functional consequence: retained intron. Not counted in ClinVar's aggregate classification.

NM_133459.4(CCBE1):c.265+26C>A

Gene: CCBE1 (collagen and calcium binding EGF domains 1; minus strand). Cytogenetic location: 18q21.32.
Variant type: single nucleotide variant.
Coding change: c.265+26C>A on transcript NM_133459.4 (MANE Select); 26 bases into the intron after coding-DNA position 265, C replaced by A.
Molecular consequence: intron variant.
Genome position (GRCh38, 1-based): chr18:59,480,160, G>T on the plus strand (C>A on the coding strand, the complement: CCBE1 is on the minus strand). VCF-style: chr18-59480160-G-T. GRCh37 (hg19) VCF-style: chr18-57147392-G-T.
Other names: NC_000018.9:g.57147392G>T; c.265+26C>A (LRG_1209t1).
Identifiers: ClinVar variation 262350 (VCV000262350.8), dbSNP rs1663549, ClinGen allele CA8980574.